The following is an entry in ClinVar:

NM_014336.5(AIPL1):c.276+1G>A

Gene: AIPL1 (AIP like 1 HSP90 co-chaperone; minus strand). Cytogenetic location: 17p13.2.
Variant type: single nucleotide variant.
Coding change: c.276+1G>A on transcript NM_014336.5 (MANE Select); the canonical splice donor site of the intron after coding-DNA position 276, G replaced by A.
Molecular consequence: splice donor variant. On other transcripts: intron variant (1).
Genome position (GRCh38, 1-based): chr17:6,433,918, C>T on the plus strand (G>A on the coding strand, the complement: AIPL1 is on the minus strand). VCF-style: chr17-6433918-C-T. GRCh37 (hg19) VCF-style: chr17-6337238-C-T.
Other names: c.96+1091G>A (NM_001033055.3); c.210+1G>A (NM_001285400.3); c.240+1G>A (NM_001285399.3); c.276+1G>A (NM_001033054.3, NM_001285401.3, NM_001285403.4 and 1 more transcripts); c.159+1G>A (NM_001285402.2).
Identifiers: ClinVar variation 1451640 (VCV001451640.9), dbSNP rs150097891, ClinGen allele CA8328578.
Genomic context (GRCh38, chr17:6,433,918, plus strand): 5'-AGCGGGTGGGTGAGCCCAGAAAAGACTAGTCCCAGGAGACAGGCGCGCAGGGCCTACTTA[C>T]GATGGTGTCGCACCAGAACTCGGCCACCTCGTGCACCCGCATGGAGGTAAGCAGGATCTC-3'

ClinVar aggregate classification (germline): Pathogenic. Review status: reviewed by expert panel (3 of 4 stars). 4 submissions from 4 submitters: Pathogenic (1). 3 of the submissions do not count toward it. Last evaluated 2025-09-29.

Conditions:
AIPL1-related retinopathy. Also called: AIPL1 retinopathy. Identifiers: MedGen CN305590, MONDO:0100438.
Leber congenital amaurosis 4 (LCA4). Identifiers: MedGen C1858386, MONDO:0011458, OMIM 604393.
AIPL1-related disorder. Also called: AIPL1-related disorders; AIPL1-related condition. Identifiers: MedGen CN239169.
Retinitis pigmentosa (RP). Identifiers: Orphanet 791, MedGen C0035334, MeSH D012174, MONDO:0019200, OMIM 268000. Inheritance: Autosomal dominant, autosomal recessive and X linked inheritance.

Allele frequency attached by ClinVar (database versions not stated): gnomAD exomes below 0.00001 and 0.00001; gnomAD 0.00001; TOPMed 0.00001; ExAC 0.00002; ESP Exome Variant Server 0.00008.
gnomAD v4.1: 7 of 1,613,424 alleles (0.00043%); highest among the groups gnomAD compares: South Asian, 0.0011%; no homozygotes.

Submissions (4):

ClinGen Leber Congenital Amaurosis/early Onset Retinal Dystrophy Variant Curation Expert Panel, ClinGen
Classification: Pathogenic for AIPL1-related retinopathy. Last evaluated: 2025-09-29. Review status: reviewed by expert panel. Criteria: ClinGen LCAeoRD ACMG Specifications AIPL1 V1.0.0. Collection method: curation. Allele origin: germline. Inheritance: Autosomal recessive inheritance.
Comment: NM_014336.5(AIPL1):c.276+1G>A disrupts a canonical splice site in intron 2 and is predicted to lead to skipping of a critical exon known to be required for protein function. (PVS1).This variant is present in gnomAD v.4.1.0 at a total allele frequency of 0.000004339, with 7 /1613424 total alleles, which is lower than the ClinGen LCA/eoRD VCEP PM2_Supporting threshold of <0.0004 (PM2_Supporting). This variant has also been reported in 1 proband with early-onset severe retinal dystrophy who was compound heterozygous with the p.Trp278X variant suspected in trans (0.5 points, PMID: 25596619), which was previously classified pathogenic by the ClinGen LCA/eoRD VCEP (0.5 total points, PM3_Supporting). In summary, this variant meets the criteria to be classified as Pathogenic for AIPL1-related retinopathy based on the ACMG/AMP criteria applied, as specified by the ClinGen LCA/eoRD VCEP: PVS1, PM2_supporting, PM3_supporting. (VCEP specifications version 1.0.0; date of approval 09/24/2025).

PreventionGenetics, part of Exact Sciences
Classification: Pathogenic for AIPL1-related condition. Last evaluated: 2026-05-15. Review status: criteria provided, single submitter. Criteria: ACMG Guidelines, 2015. Collection method: clinical testing. Allele origin: germline. Not counted in ClinVar's aggregate classification.
Comment: The AIPL1 c.276+1G>A variant is predicted to disrupt the GT donor site and interfere with normal splicing. This variant has been reported, in the homozygous state or in the heterozygous state along with a second potentially causative variant, in individuals with Leber congenital amaurosis IV (Aboshiha et al. 2015. PubMed ID: 25596619; Suplementary table S3, van der Ven et al. 2021. PubMed ID: 34490615). This variant is reported in 0.0033% of alleles in individuals of South Asian descent in gnomAD. Variants that disrupt the consensus splice donor site in AIPL1 are expected to be pathogenic. This variant is interpreted as pathogenic.

Labcorp Genetics (formerly Invitae), Labcorp
Classification: Pathogenic for Leber congenital amaurosis 4. Last evaluated: 2022-12-18. Review status: criteria provided, single submitter. Criteria: Invitae Variant Classification Sherloc (09022015). Collection method: clinical testing. Allele origin: germline. Not counted in ClinVar's aggregate classification.
Comment: This sequence change affects a donor splice site in intron 2 of the AIPL1 gene. It is expected to disrupt RNA splicing. Variants that disrupt the donor or acceptor splice site typically lead to a loss of protein function (PMID: 16199547), and loss-of-function variants in AIPL1 are known to be pathogenic (PMID: 10615133, 15249368, 15347646). The frequency data for this variant in the population databases is considered unreliable, as metrics indicate poor data quality at this position in the gnomAD database. Disruption of this splice site has been observed in individuals with Leber congenital amaurosis (PMID: 25596619). ClinVar contains an entry for this variant (Variation ID: 1451640). Algorithms developed to predict the effect of sequence changes on RNA splicing suggest that this variant may disrupt the consensus splice site. For these reasons, this variant has been classified as Pathogenic.

Fulgent Genetics
Classification: Likely pathogenic for Retinitis pigmentosa; Leber congenital amaurosis 4. Last evaluated: 2021-08-13. Review status: criteria provided, single submitter. Criteria: ACMG Guidelines, 2015. Collection method: clinical testing. Allele origin: unknown. Not counted in ClinVar's aggregate classification.

Literature cited by the submitters: PubMed 16199547 (cited by Labcorp Genetics (formerly Invitae), Labcorp); PubMed 10615133 (cited by Labcorp Genetics (formerly Invitae), Labcorp); PubMed 15249368 (cited by Labcorp Genetics (formerly Invitae), Labcorp); PubMed 15347646 (cited by Labcorp Genetics (formerly Invitae), Labcorp); PubMed 25596619 (cited by Labcorp Genetics (formerly Invitae), Labcorp).